The following is an entry in ClinVar:

NM_005591.4(MRE11):c.1325A>G (p.Lys442Arg)

Gene: MRE11 (MRE11 double strand break repair nuclease; minus strand). Cytogenetic location: 11q21.
Variant type: single nucleotide variant.
Coding change: c.1325A>G on transcript NM_005591.4 (MANE Select); coding-DNA position 1325, A replaced by G.
Protein change: p.Lys442Arg; replaces lysine 442 with arginine.
Molecular consequence: missense variant.
Genome position (GRCh38, 1-based): chr11:94,460,937, T>C on the plus strand (A>G on the coding strand, the complement: MRE11 is on the minus strand). VCF-style: chr11-94460937-T-C. GRCh37 (hg19) VCF-style: chr11-94194103-T-C.
Other names: c.1325A>G, p.Lys442Arg (NM_001330347.2, NM_005590.4); short protein forms K442R.
Identifiers: ClinVar variation 1001037 (VCV001001037.8), dbSNP rs1946397449, ClinGen allele CA382372270.

ClinVar aggregate classification (germline): Uncertain significance (1 of 4 stars; one submission).

Conditions:
Ataxia-telangiectasia-like disorder (ATLD). Identifiers: MedGen C1858391, MONDO:0011457.

Submission:

Labcorp Genetics (formerly Invitae), Labcorp
Classification: Uncertain significance for Ataxia-telangiectasia-like disorder. Last evaluated: 2020-06-08. Review status: criteria provided, single submitter. Criteria: Invitae Variant Classification Sherloc (09022015). Collection method: clinical testing. Allele origin: germline.
Comment: In summary, the available evidence is currently insufficient to determine the role of this variant in disease. Therefore, it has been classified as a Variant of Uncertain Significance. Algorithms developed to predict the effect of sequence changes on RNA splicing suggest that this variant may disrupt the consensus splice site, but this prediction has not been confirmed by published transcriptional studies. Algorithms developed to predict the effect of missense changes on protein structure and function (SIFT, PolyPhen-2, Align-GVGD) all suggest that this variant is likely to be tolerated, but these predictions have not been confirmed by published functional studies and their clinical significance is uncertain. This variant has been observed in a cohort of patients at increased risk for hereditary breast and ovarian cancer (PMID: 24549055). This variant is not present in population databases (ExAC no frequency). This sequence change replaces lysine with arginine at codon 442 of the MRE11 protein (p.Lys442Arg). The lysine residue is moderately conserved and there is a small physicochemical difference between lysine and arginine.

Literature cited by the submitters: PubMed 24549055.